The following is an entry in ClinVar:

NM_000159.4(GCDH):c.280C>A (p.Arg94=)

Gene: GCDH (glutaryl-CoA dehydrogenase; plus strand). Cytogenetic location: 19p13.13.
Variant type: single nucleotide variant.
Coding change: c.280C>A on transcript NM_000159.4 (MANE Select); coding-DNA position 280, C replaced by A.
Protein change: p.Arg94=; no amino-acid change (arginine 94 retained).
Molecular consequence: synonymous variant. On other transcripts: non-coding transcript variant (1).
Genome position (GRCh38, 1-based): chr19:12,892,124, C>A. VCF-style: chr19-12892124-C-A. GRCh37 (hg19) VCF-style: chr19-13002938-C-A.
Other names: c.280C>A, p.Arg94= (NM_013976.5).
Identifiers: ClinVar variation 5005929 (VCV005005929.2).
Genomic context (GRCh38, chr19:12,892,124, plus strand): 5'-GCTTCCTGTGGCCTAGGCCTGGGCCTGAATTTGGGCACTGGTCCCTTTGCAGTTTTTCAT[C>A]GGGAGATCATTTCGGAGATGGGGGAGTTGGGTGTGCTGGGCCCCACCATCAAAGGTAGGA-3'
Protein context (NP_000150.1, residues 84-104): LLANRNEVFH[Arg94=]EIISEMGELG

ClinVar aggregate classification (germline): Uncertain significance (1 of 4 stars; one submission).

Conditions:
Glutaric aciduria, type 1. Also called: Glutaric Acidemia Type 1; GA I; Glutaricacidemia Type 1; Glutaryl-CoA dehydrogenase deficiency; Glutaric acidemia type I; Glutaricaciduria, type I. Identifiers: Orphanet 25, MedGen C0268595, MONDO:0009281, OMIM 231670.

gnomAD v4.1: 5 of 1,614,130 alleles (0.00031%); highest among the groups gnomAD compares: East Asian, 0.011%; no homozygotes.

Submission:

Juno Genomics, Hangzhou Juno Genomics, Inc
Classification: Uncertain significance for Glutaric aciduria, type 1. Review status: criteria provided, single submitter. Criteria: ACMG Guidelines, 2015. Collection method: clinical testing. Allele origin: germline.
Comment: Absent from controls (or at extremely low frequency if recessive) in Genome Aggregation Database.;Multiple lines of computational evidence support a deleterious effect on the gene or gene product.